The following is an entry in ClinVar:

NM_007294.4(BRCA1):c.5459_5460del (p.Gly1820fs)

Gene: BRCA1 (BRCA1 DNA repair associated; minus strand). Cytogenetic location: 17q21.31.
Variant type: Deletion.
Coding change: c.5459_5460del on transcript NM_007294.4 (MANE Select); coding-DNA positions 5459 to 5460, 2 bases deleted (GC; older notation c.5459_5460delGC).
Protein change: p.Gly1820fs; shifts the reading frame from glycine 1820.
Molecular consequence: frameshift variant.
Genome position (GRCh38, 1-based): chr17:43,047,650-43,047,651, GC deleted on the plus strand (GC on the coding strand, the reverse complement: BRCA1 is on the minus strand). VCF-style (leftmost placement, unchanged base first): chr17-43047649-AGC-A. GRCh37 (hg19) VCF-style: chr17-41199666-AGC-A.
Other names: c.5312_5313del, p.Gly1771fs (NM_001407847.1, NM_001407838.1, NM_001407839.1 and 12 more transcripts); c.5315_5316del, p.Gly1772fs (NM_001407746.1, NM_001407747.1, NM_001407748.1 and 18 more transcripts); c.5246_5247del, p.Gly1749fs (NM_001407571.1, NM_001407897.1, NM_001407898.1 and 12 more transcripts); c.5525_5526del, p.Gly1842fs (NM_001407581.1, NM_001407582.1); c.5522_5523del, p.Gly1841fs (NM_001407583.1, NM_001407585.1, NM_001407587.1 and 1 more transcripts); c.5519_5520del, p.Gly1840fs (NM_001407590.1, NM_001407591.1); c.5459_5460del, p.Gly1820fs (NM_001407593.1, NM_001407594.1, NM_001407596.1 and 5 more transcripts); c.5456_5457del, p.Gly1819fs (NM_001407620.1, NM_001407621.1, NM_001407622.1 and 14 more transcripts); and 83 more; short protein forms G1651fs, G1692fs, G1708fs, G1730fs, G1732fs, G1748fs, G1773fs, G1778fs.
Identifiers: ClinVar variation 5033202 (VCV005033202.1).
Genomic context (GRCh38, chr17:43,047,649, plus strand): 5'-ACCAAACCCATGCAAAAGGACCCCATATAGCACAGGTACATGCAGGCACCTTACCATGGA[AGC>A]CATTGTCCTCTGTCCAGGCATCTGGCTGCACAACCACAATTGGGTGGACACCCTGGATCC-3'

ClinVar aggregate classification (germline): Pathogenic (1 of 4 stars; one submission).

Conditions:
Hereditary cancer-predisposing syndrome. Also called: Neoplastic Syndromes, Hereditary; Tumor predisposition; Hereditary neoplastic syndrome; Hereditary Cancer Syndrome. Identifiers: Orphanet 140162, MedGen C0027672, MeSH D009386, MONDO:0015356.

Submission:

Ambry Genetics
Classification: Pathogenic for Hereditary cancer-predisposing syndrome. Last evaluated: 2026-08-19. Review status: criteria provided, single submitter. Criteria: Ambry Variant Classification Scheme 2023. Collection method: clinical testing. Allele origin: germline.
Comment: The c.5459_5460delGC pathogenic mutation, located in coding exon 21 of the BRCA1 gene, results from a deletion of two nucleotides at nucleotide positions 5459 to 5460, causing a translational frameshift with a predicted alternate stop codon (p.G1820Vfs*9). This variant occurs at the 3' terminus of the gene, is not expected to trigger nonsense-mediated mRNA decay, and impacts the last 2.3% of the protein. However, premature stop codons are typically deleterious in nature and the impacted region is critical for protein function (Ambry internal data). This variant is considered to be rare based on population cohorts in the Genome Aggregation Database (gnomAD). Based on the supporting evidence, this variant is interpreted as a disease-causing mutation.